The following is an entry in ClinVar:

ClinVar aggregate classification (germline): Conflicting classifications of pathogenicity. Review status: criteria provided, conflicting classifications (1 of 4 stars). 2 submissions from 2 submitters: Uncertain significance (1); Benign (1). Last evaluated 2024-04-14.

Conditions:
Adams-Oliver syndrome 5 (AOS5). Identifiers: Orphanet 974, MedGen C4014970, MONDO:0014459, OMIM 616028.
Familial thoracic aortic aneurysm and aortic dissection (TAAD). Also called: Thoracic aortic aneurysms and dissections. Identifiers: Orphanet 91387, MedGen C4707243, MONDO:0019625.

Allele frequency attached by ClinVar (database versions not stated): ExAC 0.00001; gnomAD 0.00001; gnomAD exomes 0.00001; TOPMed 0.00001.
gnomAD v4.1: 14 of 1,612,818 alleles (0.00087%); highest among the groups gnomAD compares: East Asian, 0.0022%; no homozygotes.

Submissions (2):

Ambry Genetics
Classification: Uncertain significance for Familial thoracic aortic aneurysm and aortic dissection. Last evaluated: 2024-04-14. Review status: criteria provided, single submitter. Criteria: Ambry Variant Classification Scheme 2023. Collection method: clinical testing. Allele origin: germline.
Comment: The p.E2309K variant (also known as c.6925G>A), located in coding exon 34 of the NOTCH1 gene, results from a G to A substitution at nucleotide position 6925. The glutamic acid at codon 2309 is replaced by lysine, an amino acid with similar properties. This amino acid position is conserved. In addition, the in silico prediction for this alteration is inconclusive. Based on the available evidence, the clinical significance of this variant remains unclear.

Labcorp Genetics (formerly Invitae), Labcorp
Classification: Benign for Adams-Oliver syndrome 5. Last evaluated: 2023-12-06. Review status: criteria provided, single submitter. Criteria: Invitae Variant Classification Sherloc (09022015). Collection method: clinical testing. Allele origin: germline.

NM_017617.5(NOTCH1):c.6925G>A (p.Glu2309Lys)

Gene: NOTCH1 (notch receptor 1; minus strand). Cytogenetic location: 9q34.3.
Variant type: single nucleotide variant.
Coding change: c.6925G>A on transcript NM_017617.5 (MANE Select); coding-DNA position 6925, G replaced by A.
Protein change: p.Glu2309Lys; replaces glutamic acid 2309 with lysine.
Molecular consequence: missense variant.
Genome position (GRCh38, 1-based): chr9:136,496,814, C>T on the plus strand (G>A on the coding strand, the complement: NOTCH1 is on the minus strand). VCF-style: chr9-136496814-C-T. GRCh37 (hg19) VCF-style: chr9-139391266-C-T.
Other names: c.6925G>A (NM_017617.3); short protein forms E2309K.
Identifiers: ClinVar variation 2055258 (VCV002055258.5), dbSNP rs752136178, ClinGen allele CA5339789.